The following is an entry in ClinVar:

ClinVar aggregate classification (germline): Uncertain significance (1 of 4 stars; one submission).

Conditions:
Hereditary cancer-predisposing syndrome. Also called: Neoplastic Syndromes, Hereditary; Tumor predisposition; Hereditary neoplastic syndrome; Hereditary Cancer Syndrome. Identifiers: Orphanet 140162, MedGen C0027672, MeSH D009386, MONDO:0015356.
Cardiovascular phenotype. Identifiers: MedGen CN230736.

Submission:

Ambry Genetics
Classification: Uncertain significance for Cardiovascular phenotype; Hereditary cancer-predisposing syndrome. Last evaluated: 2023-06-21. Review status: criteria provided, single submitter. Criteria: Ambry Variant Classification Scheme 2023. Collection method: clinical testing. Allele origin: germline.
Comment: The p.A2386S variant (also known as c.7156G>T), located in coding exon 48 of the NF1 gene, results from a G to T substitution at nucleotide position 7156. The alanine at codon 2386 is replaced by serine, an amino acid with similar properties. This amino acid position is conserved. In addition, this alteration is predicted to be tolerated by in silico analysis. Since supporting evidence is limited at this time, the clinical significance of this alteration remains unclear.

NM_001042492.3(NF1):c.7219G>T (p.Ala2407Ser)

Gene: NF1 (neurofibromin 1; plus strand). Cytogenetic location: 17q11.2.
Variant type: single nucleotide variant.
Coding change: c.7219G>T on transcript NM_001042492.3 (MANE Select); coding-DNA position 7219, G replaced by T.
Protein change: p.Ala2407Ser; replaces alanine 2407 with serine.
Molecular consequence: missense variant.
Genome position (GRCh38, 1-based): chr17:31,349,149, G>T. VCF-style: chr17-31349149-G-T. GRCh37 (hg19) VCF-style: chr17-29676167-G-T.
Other names: c.7156G>T, p.Ala2386Ser (NM_000267.4); short protein forms A2386S, A2407S.
Identifiers: ClinVar variation 3237919 (VCV003237919.1), dbSNP rs2151572572.